The following is an entry in ClinVar:

ClinVar aggregate classification (germline): Uncertain significance (1 of 4 stars; one submission).

Conditions:
Neuroblastoma, susceptibility to, 3. Also called: ALK-Related Neuroblastic Tumor Susceptibility. Identifiers: Orphanet 635, MedGen C2751681, MONDO:0013083, OMIM 613014.

Allele frequency attached by ClinVar (database versions not stated): gnomAD exomes below 0.00001.
gnomAD v4.1: 2 of 1,614,044 alleles (0.00012%); highest among the groups gnomAD compares: Non-Finnish European, 0.00017%; no homozygotes.

Submission:

Labcorp Genetics (formerly Invitae), Labcorp
Classification: Uncertain significance for Neuroblastoma, susceptibility to, 3. Last evaluated: 2025-11-26. Review status: criteria provided, single submitter. Criteria: Invitae Variant Classification Sherloc (09022015). Collection method: clinical testing. Allele origin: germline.
Comment: This sequence change replaces glycine, which is neutral and non-polar, with alanine, which is neutral and non-polar, at codon 963 of the ALK protein (p.Gly963Ala). This variant is not present in population databases (gnomAD no frequency). This variant has not been reported in the literature in individuals affected with ALK-related conditions. ClinVar contains an entry for this variant (Variation ID: 2904378). An algorithm developed to predict the effect of missense changes on protein structure and function (PolyPhen-2) suggests that this variant is likely to be disruptive. In summary, the available evidence is currently insufficient to determine the role of this variant in disease. Therefore, it has been classified as a Variant of Uncertain Significance.

NM_004304.5(ALK):c.2888G>C (p.Gly963Ala)

Gene: ALK (ALK receptor tyrosine kinase; minus strand). Cytogenetic location: 2p23.2.
Variant type: single nucleotide variant.
Coding change: c.2888G>C on transcript NM_004304.5 (MANE Select); coding-DNA position 2888, G replaced by C.
Protein change: p.Gly963Ala; replaces glycine 963 with alanine.
Molecular consequence: missense variant.
Genome position (GRCh38, 1-based): chr2:29,227,600, C>G on the plus strand (G>C on the coding strand, the complement: ALK is on the minus strand). VCF-style: chr2-29227600-C-G. GRCh37 (hg19) VCF-style: chr2-29450466-C-G.
Other names: short protein forms G963A.
Identifiers: ClinVar variation 2904378 (VCV002904378.3), dbSNP rs2465973439, ClinGen allele CA346468379.